The following is an entry in ClinVar:

ClinVar aggregate classification (germline): Uncertain significance. Review status: criteria provided, multiple submitters, no conflicts (2 of 4 stars). 2 submissions from 2 submitters: Uncertain significance (2). Last evaluated 2025-10-24.

Conditions:
Pure or complex autosomal recessive spastic paraplegia. Identifiers: Orphanet 320346, MedGen C5679887, MONDO:0017915.

Allele frequency attached by ClinVar (database versions not stated): gnomAD exomes 0.00001 and 0.00002; TOPMed 0.00003; ExAC 0.00004; ESP Exome Variant Server 0.00008.
gnomAD v4.1: 15 of 1,612,526 alleles (0.00093%); highest among the groups gnomAD compares: Middle Eastern, 0.033%; no homozygotes.

Submissions (2):

Ambry Genetics
Classification: Uncertain significance. Last evaluated: 2025-10-24. Review status: criteria provided, single submitter. Criteria: Ambry Variant Classification Scheme 2023. Collection method: clinical testing. Allele origin: germline.

Labcorp Genetics (formerly Invitae), Labcorp
Classification: Uncertain significance for Pure or complex autosomal recessive spastic paraplegia. Last evaluated: 2023-12-11. Review status: criteria provided, single submitter. Criteria: Invitae Variant Classification Sherloc (09022015). Collection method: clinical testing. Allele origin: germline.
Comment: This sequence change replaces lysine, which is basic and polar, with glutamic acid, which is acidic and polar, at codon 830 of the ZFR protein (p.Lys830Glu). This variant is present in population databases (rs372096667, gnomAD 0.005%). This variant has not been reported in the literature in individuals affected with ZFR-related conditions. ClinVar contains an entry for this variant (Variation ID: 1515567). Experimental studies and prediction algorithms are not available or were not evaluated, and the functional significance of this variant is currently unknown. In summary, the available evidence is currently insufficient to determine the role of this variant in disease. Therefore, it has been classified as a Variant of Uncertain Significance.

NM_016107.5(ZFR):c.2488A>G (p.Lys830Glu)

Gene: ZFR (zinc finger RNA binding protein; minus strand). Cytogenetic location: 5p13.3.
Variant type: single nucleotide variant.
Coding change: c.2488A>G on transcript NM_016107.5 (MANE Select); coding-DNA position 2488, A replaced by G.
Protein change: p.Lys830Glu; replaces lysine 830 with glutamic acid.
Molecular consequence: missense variant. On other transcripts: non-coding transcript variant (1).
Genome position (GRCh38, 1-based): chr5:32,387,560, T>C on the plus strand (A>G on the coding strand, the complement: ZFR is on the minus strand). VCF-style: chr5-32387560-T-C. GRCh37 (hg19) VCF-style: chr5-32387666-T-C.
Other names: c.2488A>G (NM_016107.3); short protein forms K830E.
Identifiers: ClinVar variation 1515567 (VCV001515567.7), dbSNP rs372096667, ClinGen allele CA3221586.